The following is an entry in ClinVar:

ClinVar aggregate classification (germline): Likely benign (1 of 4 stars; one submission).

Submission:

GeneDx
Classification: Likely benign. Last evaluated: 2017-08-24. Review status: criteria provided, single submitter. Criteria: GeneDx Variant Classification (06012015). Collection method: clinical testing. Allele origin: germline. Affected: yes.
Comment: This variant is considered likely benign or benign based on one or more of the following criteria: it is a conservative change, it occurs at a poorly conserved position in the protein, it is predicted to be benign by multiple in silico algorithms, and/or has population frequency not consistent with disease.

NM_001164508.2(NEB):c.15555+11C>T

Gene: NEB (nebulin; minus strand). Cytogenetic location: 2q23.3.
Variant type: single nucleotide variant.
Coding change: c.15555+11C>T on transcript NM_001164508.2 (MANE Select); 11 bases into the intron after coding-DNA position 15555, C replaced by T.
Molecular consequence: intron variant.
Genome position (GRCh38, 1-based): chr2:151,586,394, G>A on the plus strand (C>T on the coding strand, the complement: NEB is on the minus strand). VCF-style: chr2-151586394-G-A. GRCh37 (hg19) VCF-style: chr2-152442908-G-A.
Other names: c.11602-10040C>T (NM_004543.5); c.15555+11C>T (NM_001164507.2, NM_001271208.2).
Identifiers: ClinVar variation 390852 (VCV000390852.1), dbSNP rs1057523905, ClinGen allele CA16603866.